The following is an entry in ClinVar:

ClinVar aggregate classification (germline): Pathogenic (1 of 4 stars; one submission).

Conditions:
Ornithine aminotransferase deficiency (GACR). Also called: OAT DEFICIENCY; OKT DEFICIENCY; HYPERORNITHINEMIA WITH GYRATE ATROPHY OF CHOROID AND RETINA; Ornithine ketoacid aminotransferase deficiency; Gyrate atrophy; Gyrate atrophy of choroid and retina. Identifiers: Orphanet 414, MedGen C0018425, MONDO:0009796, OMIM 258870.

Submission:

Labcorp Genetics (formerly Invitae), Labcorp
Classification: Pathogenic for Ornithine aminotransferase deficiency. Last evaluated: 2025-03-05. Review status: criteria provided, single submitter. Criteria: Invitae Variant Classification Sherloc (09022015). Collection method: clinical testing. Allele origin: germline.
Comment: This sequence change creates a premature translational stop signal (p.Ile261Metfs*27) in the OAT gene. It is expected to result in an absent or disrupted protein product. Loss-of-function variants in OAT are known to be pathogenic (PMID: 1737786, 23076989). This variant is not present in population databases (gnomAD no frequency). This variant has not been reported in the literature in individuals affected with OAT-related conditions. ClinVar contains an entry for this variant (Variation ID: 965243). For these reasons, this variant has been classified as Pathogenic.

Literature cited by the submitters: PubMed 1737786; PubMed 23076989.

NM_000274.4(OAT):c.783del (p.Ile261fs)

Gene: OAT (ornithine aminotransferase; minus strand). Cytogenetic location: 10q26.13.
Variant type: Deletion.
Coding change: c.783del on transcript NM_000274.4 (MANE Select); coding-DNA position 783, one base deleted (T; older notation c.783delT).
Protein change: p.Ile261fs; shifts the reading frame from isoleucine 261.
Molecular consequence: frameshift variant.
Genome position (GRCh38, 1-based): chr10:124,403,044, A deleted on the plus strand (T on the coding strand, the reverse complement: OAT is on the minus strand); the first of 2 consecutive A bases (chr10:124,403,044-124,403,045); deleting either gives the same sequence. VCF-style (leftmost placement, unchanged base first): chr10-124403043-CA-C. GRCh37 (hg19) VCF-style: chr10-126091612-CA-C.
Other names: c.369del, p.Ile123fs (NM_001171814.2); c.783del, p.Ile261fs (NM_001322965.2, NM_001322966.2, NM_001322967.2 and 3 more transcripts); c.462del, p.Ile154fs (NM_001322971.2); c.183del, p.Ile61fs (NM_001322974.2); short protein forms I154fs, I123fs, I261fs, I61fs.
Identifiers: ClinVar variation 965243 (VCV000965243.7), dbSNP rs1195885907, ClinGen allele CA661083476.